The following is an entry in ClinVar:

ClinVar aggregate classification (germline): Uncertain significance (1 of 4 stars; one submission).

Submission:

GeneDx
Classification: Uncertain significance. Last evaluated: 2023-11-15. Review status: criteria provided, single submitter. Criteria: GeneDx Variant Classification Process June 2021. Collection method: clinical testing. Allele origin: germline. Affected: yes.
Comment: Not observed at significant frequency in large population cohorts (gnomAD); In silico analysis supports that this missense variant does not alter protein structure/function; Has not been previously published as pathogenic or benign to our knowledge

NM_001145358.2(SIN3A):c.3464C>G (p.Thr1155Ser)

Gene: SIN3A (SIN3 transcription regulator family member A; minus strand). Cytogenetic location: 15q24.2.
Variant type: single nucleotide variant.
Coding change: c.3464C>G on transcript NM_001145358.2 (MANE Select); coding-DNA position 3464, C replaced by G.
Protein change: p.Thr1155Ser; replaces threonine 1155 with serine.
Molecular consequence: missense variant.
Genome position (GRCh38, 1-based): chr15:75,375,792, G>C on the plus strand (C>G on the coding strand, the complement: SIN3A is on the minus strand). VCF-style: chr15-75375792-G-C. GRCh37 (hg19) VCF-style: chr15-75668133-G-C.
Other names: c.3464C>G, p.Thr1155Ser (NM_001145357.2, NM_015477.3); short protein forms T1155S.
Identifiers: ClinVar variation 3364332 (VCV003364332.1).
Genomic context (GRCh38, chr15:75,375,792, plus strand): 5'-TTGTAGGAATTCAGCTTGAATCTACACTCCAGCTTATCCAGACTATCCACATTCTCCATG[G>C]TCTTCTTGCTGTTTCCTTCCTTCCCTTCCTTTTCCTGCTGCTCTCGACCACGTTGACACT-3'
Protein context (NP_001138830.1, residues 1145-1165): KEGKEGNSKK[Thr1155Ser]MENVDSLDKL